The following is an entry in ClinVar:

NM_022168.4(IFIH1):c.1525-1G>A

Gene: IFIH1 (interferon induced with helicase C domain 1; minus strand). Cytogenetic location: 2q24.2.
Variant type: single nucleotide variant.
Coding change: c.1525-1G>A on transcript NM_022168.4 (MANE Select); the canonical splice acceptor site of the intron before coding-DNA position 1525, G replaced by A.
Molecular consequence: splice acceptor variant.
Genome position (GRCh38, 1-based): chr2:162,280,113, C>T on the plus strand (G>A on the coding strand, the complement: IFIH1 is on the minus strand). VCF-style: chr2-162280113-C-T. GRCh37 (hg19) VCF-style: chr2-163136623-C-T.
Identifiers: ClinVar variation 1416567 (VCV001416567.8), dbSNP rs774035953, ClinGen allele CA1934492.

ClinVar aggregate classification (germline): Uncertain significance. Review status: criteria provided, multiple submitters, no conflicts (2 of 4 stars). 2 submissions from 2 submitters: Uncertain significance (2). Last evaluated 2023-12-02.

Conditions:
Aicardi-Goutieres syndrome 7 (AGS7). Identifiers: Orphanet 51, MedGen C3888244, MONDO:0014367, OMIM 615846.
Singleton-Merten syndrome 1 (SGMRT1). Also called: Widened medullary cavities of bone, aortic calcification, abnormal dentition, and muscular weakness; Syndrome of widened medullary cavities of the metacarpals and phalanges, aortic calcification and abnormal dentition. Identifiers: Orphanet 85191, MedGen C4225427, MONDO:0024535, OMIM 182250.

Allele frequency attached by ClinVar (database versions not stated): gnomAD 0.00001; gnomAD exomes 0.00001 and 0.00002; TOPMed 0.00001; ExAC 0.00002.
gnomAD v4.1: 14 of 1,453,572 alleles (0.00096%); highest among the groups gnomAD compares: Non-Finnish European, 0.0013%; no homozygotes.

Submissions (3):

Labcorp Genetics (formerly Invitae), Labcorp
Classification: Uncertain significance for Aicardi-Goutieres syndrome 7; Singleton-Merten syndrome 1. Last evaluated: 2023-12-02. Review status: criteria provided, single submitter. Criteria: Invitae Variant Classification Sherloc (09022015). Collection method: clinical testing. Allele origin: germline.
Comment: This sequence change affects an acceptor splice site in intron 7 of the IFIH1 gene. It is expected to disrupt RNA splicing. Variants that disrupt the donor or acceptor splice site typically lead to a loss of protein function (PMID: 16199547), however the current clinical and genetic evidence is not sufficient to establish whether loss-of-function variants in IFIH1 cause disease. This variant is present in population databases (rs774035953, gnomAD 0.004%). This variant has not been reported in the literature in individuals affected with IFIH1-related conditions. ClinVar contains an entry for this variant (Variation ID: 1416567). Algorithms developed to predict the effect of sequence changes on RNA splicing suggest that this variant may disrupt the consensus splice site. In summary, the available evidence is currently insufficient to determine the role of this variant in disease. Therefore, it has been classified as a Variant of Uncertain Significance.

Blueprint Genetics
Classification: Uncertain significance. Last evaluated: 2022-03-17. Review status: criteria provided, single submitter. Criteria: ACMG Guidelines, 2015. Collection method: clinical testing. Allele origin: germline.

Dr. Peter K. Rogan Lab, Western University
No classification provided (evidence only). Condition: Nonpapillary renal cell carcinoma. Review status: no classification provided. Collection method: in vitro. Allele origin: not applicable. Functional consequence: skipped exon. Not counted in ClinVar's aggregate classification.

Literature cited by the submitters: PubMed 16199547 (cited by Labcorp Genetics (formerly Invitae), Labcorp).